The following is an entry in ClinVar:

NM_003482.4(KMT2D):c.13840-10dup

Gene: KMT2D (lysine methyltransferase 2D; minus strand). Cytogenetic location: 12q13.12.
Variant type: Duplication.
Coding change: c.13840-10dup on transcript NM_003482.4 (MANE Select); 10 bases into the intron before coding-DNA position 13840, one base duplicated (C; older notation c.13840-10dupC).
Molecular consequence: intron variant.
Genome position (GRCh38, 1-based): chr12:49,030,449, G duplicated on the plus strand (C on the coding strand, the reverse complement: KMT2D is on the minus strand); the first of 6 consecutive G bases (chr12:49,030,449-49,030,454); duplicating any one gives the same sequence. VCF-style (leftmost placement, unchanged base first): chr12-49030448-T-TG. GRCh37 (hg19) VCF-style: chr12-49424231-T-TG.
Other names: c.13840-10dupC (NM_003482.3).
Identifiers: ClinVar variation 2030022 (VCV002030022.7), dbSNP rs764906926, ClinGen allele CA605233534.

ClinVar aggregate classification (germline): Benign/Likely benign. Review status: criteria provided, multiple submitters, no conflicts (2 of 4 stars). 3 submissions from 3 submitters: Benign (1); Likely benign (1). 1 of the submissions does not count toward it. Last evaluated 2025-07-14.

Conditions:
KMT2D-related disorder. Also called: KMT2D-Related Disorders.
Kabuki syndrome. Also called: Kabuki make-up syndrome; NIIKAWA-KUROKI SYNDROME. Identifiers: Orphanet 2322, MedGen C0796004, MONDO:0016512.

Submissions (3):

Labcorp Genetics (formerly Invitae), Labcorp
Classification: Benign for Kabuki syndrome. Last evaluated: 2025-07-14. Review status: criteria provided, single submitter. Criteria: Invitae Variant Classification Sherloc (09022015). Collection method: clinical testing. Allele origin: germline.

Blueprint Genetics
Classification: Likely benign. Last evaluated: 2023-01-04. Review status: criteria provided, single submitter. Criteria: ACMG Guidelines, 2015. Collection method: clinical testing. Allele origin: germline.

PreventionGenetics, part of Exact Sciences
Classification: Likely benign for KMT2D-related condition. Last evaluated: 2019-08-13. Review status: no assertion criteria provided. Collection method: clinical testing. Allele origin: germline. Not counted in ClinVar's aggregate classification.
Comment: This variant is classified as likely benign based on ACMG/AMP sequence variant interpretation guidelines (Richards et al. 2015 PMID: 25741868, with internal and published modifications).